The following is an entry in ClinVar:

ClinVar aggregate classification (germline): Pathogenic/Likely pathogenic. Review status: criteria provided, multiple submitters, no conflicts (2 of 4 stars). 3 submissions from 3 submitters: Pathogenic (1); Likely pathogenic (2). Last evaluated 2024-11-27.

Conditions:
SLC4A1-related disorder. Also called: SLC4A1-related condition; SLC4A1-related disorders.

Submissions (3):

Blueprint Genetics
Classification: Likely pathogenic for SLC4A1-related disorders. Last evaluated: 2024-11-27. Review status: criteria provided, single submitter. Criteria: ACMG Guidelines, 2015. Collection method: clinical testing. Allele origin: germline. Affected: yes. Observed: 1 variant allele.

Labcorp Genetics (formerly Invitae), Labcorp
Classification: Pathogenic. Last evaluated: 2023-05-13. Review status: criteria provided, single submitter. Criteria: Invitae Variant Classification Sherloc (09022015). Collection method: clinical testing. Allele origin: germline.
Comment: For these reasons, this variant has been classified as Pathogenic. ClinVar contains an entry for this variant (Variation ID: 2433468). This variant has not been reported in the literature in individuals affected with SLC4A1-related conditions. This variant is not present in population databases (gnomAD no frequency). This sequence change creates a premature translational stop signal (p.Gln62*) in the SLC4A1 gene. It is expected to result in an absent or disrupted protein product. Loss-of-function variants in SLC4A1 are known to be pathogenic (PMID: 8943874, 10926824, 23255290).

Revvity Omics, Revvity
Classification: Likely pathogenic. Last evaluated: 2021-10-20. Review status: criteria provided, single submitter. Criteria: ACMG Guidelines, 2015. Collection method: clinical testing. Allele origin: germline.

Literature cited by the submitters: PubMed 8943874 (cited by Labcorp Genetics (formerly Invitae), Labcorp); PubMed 10926824 (cited by Labcorp Genetics (formerly Invitae), Labcorp); PubMed 23255290 (cited by Labcorp Genetics (formerly Invitae), Labcorp).

NM_000342.4(SLC4A1):c.184C>T (p.Gln62Ter)

Gene: SLC4A1 (solute carrier family 4 member 1 (Diego blood group); minus strand). Cytogenetic location: 17q21.31.
Variant type: single nucleotide variant.
Coding change: c.184C>T on transcript NM_000342.4 (MANE Select); coding-DNA position 184, C replaced by T.
Protein change: p.Gln62Ter; replaces glutamine 62 with a stop codon.
Molecular consequence: nonsense.
Genome position (GRCh38, 1-based): chr17:44,260,800, G>A on the plus strand (C>T on the coding strand, the complement: SLC4A1 is on the minus strand). VCF-style: chr17-44260800-G-A. GRCh37 (hg19) VCF-style: chr17-42338168-G-A.
Other names: short protein forms Q62*.
Identifiers: ClinVar variation 2433468 (VCV002433468.7), dbSNP rs2509971425, ClinGen allele CA399796603.